The following is an entry in ClinVar:

NM_017934.7(PHIP):c.4751C>A (p.Pro1584Gln)

Genes: IRAK1BP1 (interleukin 1 receptor associated kinase 1 binding protein 1; plus strand), PHIP (PHIP subunit of CUL4-Ring ligase complex; minus strand). Cytogenetic location: 6q14.1.
Variant type: single nucleotide variant.
Coding change: c.4751C>A on transcript NM_017934.7 (MANE Select); coding-DNA position 4751, C replaced by A.
Protein change: p.Pro1584Gln; replaces proline 1584 with glutamine.
Molecular consequence: missense variant.
Genome position (GRCh38, 1-based): chr6:78,945,377, G>T on the plus strand (C>A on the coding strand, the complement: PHIP is on the minus strand). VCF-style: chr6-78945377-G-T. GRCh37 (hg19) VCF-style: chr6-79655094-G-T.
Other names: short protein forms P1584Q.
Identifiers: ClinVar variation 3347728 (VCV003347728.1).

ClinVar aggregate classification (germline): Uncertain significance (0 of 4 stars; one submission).

Conditions:
PHIP-related disorder. Also called: PHIP-related condition; PHIP-related disorders.

Submission:

PreventionGenetics, part of Exact Sciences
Classification: Uncertain significance for PHIP-related condition. Last evaluated: 2024-08-29. Review status: no assertion criteria provided. Collection method: clinical testing. Allele origin: germline.
Comment: The PHIP c.4751C>A variant is predicted to result in the amino acid substitution p.Pro1584Gln. To our knowledge, this variant has not been reported in the literature or in a large population database, indicating this variant is rare. At this time, the clinical significance of this variant is uncertain due to the absence of conclusive functional and genetic evidence.